The following is an entry in ClinVar:

ClinVar aggregate classification (germline): Likely benign. Review status: criteria provided, multiple submitters, no conflicts (2 of 4 stars). 4 submissions from 4 submitters: Likely benign (4). Last evaluated 2026-03-01.

Allele frequency attached by ClinVar (database versions not stated): ESP Exome Variant Server 0.00015; TOPMed 0.00032.
gnomAD v4.1: 81 of 1,614,118 alleles (0.005%); highest among the groups gnomAD compares: African/African-American, 0.084%; no homozygotes.

Submissions (4):

CeGaT Center for Human Genetics Tuebingen
Classification: Likely benign. Last evaluated: 2026-03-01. Review status: criteria provided, single submitter. Criteria: CeGaT Center For Human Genetics Tuebingen Variant Classification Criteria Version 2. Collection method: clinical testing. Allele origin: germline. Affected: yes. Observed: 1 variant allele.
Comment: MARVELD2: BP4, BP7

Labcorp Genetics (formerly Invitae), Labcorp
Classification: Likely benign. Last evaluated: 2025-03-13. Review status: criteria provided, single submitter. Criteria: Invitae Variant Classification Sherloc (09022015). Collection method: clinical testing. Allele origin: germline.

GeneDx
Classification: Likely benign. Last evaluated: 2020-03-11. Review status: criteria provided, single submitter. Criteria: GeneDx Variant Classification Process June 2021. Collection method: clinical testing. Allele origin: germline. Affected: yes.

Laboratory for Molecular Medicine, Mass General Brigham Personalized Medicine
Classification: Likely benign. Last evaluated: 2012-04-30. Review status: criteria provided, single submitter. Criteria: LMM Criteria. Collection method: clinical testing. Allele origin: germline. Observed: 1 variant allele.
Comment: Pro52Pro in Exon 02 of MARVELD2: This variant is not expected to have clinical s ignificance because it does not alter an amino acid residue, is not located with in the splice consensus sequence, and has been identified in 1/3738 African Amer ican chromosomes from a broad population by the NHLBI Exome Sequencing Project (dbSNP rs138816138).

NM_001038603.3(MARVELD2):c.156A>T (p.Pro52=)

Gene: MARVELD2 (MARVEL domain containing 2; plus strand). Cytogenetic location: 5q13.2.
Variant type: single nucleotide variant.
Coding change: c.156A>T on transcript NM_001038603.3 (MANE Select); coding-DNA position 156, A replaced by T.
Protein change: p.Pro52=; no amino-acid change (proline 52 retained).
Molecular consequence: synonymous variant.
Genome position (GRCh38, 1-based): chr5:69,419,541, A>T. VCF-style: chr5-69419541-A-T. GRCh37 (hg19) VCF-style: chr5-68715368-A-T.
Other names: c.156A>T, p.Pro52= (NM_001244734.2).
Identifiers: ClinVar variation 227542 (VCV000227542.17), dbSNP rs138816138, ClinGen allele CA3293984.
Genomic context (GRCh38, chr5:69,419,541, plus strand): 5'-AACTCTTCATGACAGTGAGCGGGCAGTGAGCGCTGATCCCTTGCCACCACCCCCTCTCCC[A>T]TTACAGCCACCATTCGGCCCAGACTTCTACTCAAGTGACACAGAAGAACCAGCTATAGCG-3'
Protein context (NP_001033692.2, residues 42-62): SADPLPPPPL[Pro52=]LQPPFGPDFY